The following is an entry in ClinVar:

ClinVar aggregate classification (germline): Uncertain significance (1 of 4 stars; one submission).

Allele frequency attached by ClinVar (database versions not stated): gnomAD 0.00001 and 0.00003; gnomAD exomes 0.00001; TOPMed 0.00002; ExAC 0.00003; ESP Exome Variant Server 0.00008; 1000 Genomes Project 30x 0.00047; 1000 Genomes Project 0.00060.
gnomAD v4.1: 24 of 1,614,110 alleles (0.0015%); highest among the groups gnomAD compares: African/African-American, 0.027%; no homozygotes.

Submission:

Labcorp Genetics (formerly Invitae), Labcorp
Classification: Uncertain significance. Last evaluated: 2022-06-21. Review status: criteria provided, single submitter. Criteria: Invitae Variant Classification Sherloc (09022015). Collection method: clinical testing. Allele origin: germline.
Comment: This sequence change replaces methionine, which is neutral and non-polar, with valine, which is neutral and non-polar, at codon 252 of the TYR protein (p.Met252Val). This variant is present in population databases (rs201920649, gnomAD 0.02%). This variant has not been reported in the literature in individuals affected with TYR-related conditions. Algorithms developed to predict the effect of missense changes on protein structure and function (SIFT, PolyPhen-2, Align-GVGD) all suggest that this variant is likely to be tolerated. In summary, the available evidence is currently insufficient to determine the role of this variant in disease. Therefore, it has been classified as a Variant of Uncertain Significance.

NM_000372.5(TYR):c.754A>G (p.Met252Val)

Gene: TYR (tyrosinase; plus strand). Cytogenetic location: 11q14.3.
Variant type: single nucleotide variant.
Coding change: c.754A>G on transcript NM_000372.5 (MANE Select); coding-DNA position 754, A replaced by G.
Protein change: p.Met252Val; replaces methionine 252 with valine.
Molecular consequence: missense variant.
Genome position (GRCh38, 1-based): chr11:89,178,707, A>G. VCF-style: chr11-89178707-A-G. GRCh37 (hg19) VCF-style: chr11-88911875-A-G.
Other names: short protein forms M252V.
Identifiers: ClinVar variation 1513052 (VCV001513052.5), dbSNP rs201920649, ClinGen allele CA6221188.